The following is an entry in ClinVar:

ClinVar aggregate classification (germline): Uncertain significance. Review status: criteria provided, multiple submitters, no conflicts (2 of 4 stars). 3 submissions from 3 submitters: Uncertain significance (3). Last evaluated 2025-08-31.

Conditions:
Inborn genetic diseases. Identifiers: MedGen C0950123, MeSH D030342.
Congenital heart defects, dysmorphic facial features, and intellectual developmental disorder (CHDFIDD). Identifiers: Orphanet 646278, MedGen C4479246, MONDO:0044302, OMIM 617360.

gnomAD v4.1: 1 of 1,596,844 alleles (0.000063%); highest among the groups gnomAD compares: South Asian, 0.0011%; no homozygotes.

Submissions (3):

Ambry Genetics
Classification: Uncertain significance for Inborn genetic diseases. Last evaluated: 2025-08-31. Review status: criteria provided, single submitter. Criteria: Ambry Variant Classification Scheme 2023. Collection method: clinical testing. Allele origin: germline.

Revvity Omics, Revvity
Classification: Uncertain significance for Congenital heart defects, dysmorphic facial features, and intellectual developmental disorder. Last evaluated: 2024-05-20. Review status: criteria provided, single submitter. Criteria: ACMG Guidelines, 2015. Collection method: clinical testing. Allele origin: germline.

Labcorp Genetics (formerly Invitae), Labcorp
Classification: Uncertain significance. Last evaluated: 2023-11-18. Review status: criteria provided, single submitter. Criteria: Invitae Variant Classification Sherloc (09022015). Collection method: clinical testing. Allele origin: germline.
Comment: This sequence change replaces aspartic acid, which is acidic and polar, with valine, which is neutral and non-polar, at codon 619 of the CDK13 protein (p.Asp619Val). This variant is not present in population databases (gnomAD no frequency). This variant has not been reported in the literature in individuals affected with CDK13-related conditions. ClinVar contains an entry for this variant (Variation ID: 2439871). Advanced modeling of protein sequence and biophysical properties (such as structural, functional, and spatial information, amino acid conservation, physicochemical variation, residue mobility, and thermodynamic stability) performed at Invitae indicates that this missense variant is not expected to disrupt CDK13 protein function with a negative predictive value of 80%. In summary, the available evidence is currently insufficient to determine the role of this variant in disease. Therefore, it has been classified as a Variant of Uncertain Significance.

NM_003718.5(CDK13):c.1856A>T (p.Asp619Val)

Gene: CDK13 (cyclin dependent kinase 13; plus strand). Cytogenetic location: 7p14.1.
Variant type: single nucleotide variant.
Coding change: c.1856A>T on transcript NM_003718.5 (MANE Select); coding-DNA position 1856, A replaced by T.
Protein change: p.Asp619Val; replaces aspartic acid 619 with valine.
Molecular consequence: missense variant.
Genome position (GRCh38, 1-based): chr7:39,988,243, A>T. VCF-style: chr7-39988243-A-T. GRCh37 (hg19) VCF-style: chr7-40027842-A-T.
Other names: c.1856A>T (NM_003718.4); c.1856A>T, p.Asp619Val (NM_031267.4); short protein forms D619V.
Identifiers: ClinVar variation 2439871 (VCV002439871.7), dbSNP rs2483755375, ClinGen allele CA367285058.